The following is an entry in ClinVar:

NM_003401.5(XRCC4):c.629A>G (p.Lys210Arg)

Gene: XRCC4 (X-ray repair cross complementing 4; plus strand). Cytogenetic location: 5q14.2.
Variant type: single nucleotide variant.
Coding change: c.629A>G on transcript NM_003401.5 (MANE Select); coding-DNA position 629, A replaced by G.
Protein change: p.Lys210Arg; replaces lysine 210 with arginine.
Molecular consequence: missense variant.
Genome position (GRCh38, 1-based): chr5:83,203,698, A>G. VCF-style: chr5-83203698-A-G. GRCh37 (hg19) VCF-style: chr5-82499517-A-G.
Other names: c.629A>G, p.Lys210Arg (NM_001131022.1, NM_001318012.3, NM_001318013.2 and 2 more transcripts); c.629A>G (NM_022406.4); short protein forms K210R.
Identifiers: ClinVar variation 2185921 (VCV002185921.2), dbSNP rs201604424, ClinGen allele CA3332206.
Genomic context (GRCh38, chr5:83,203,698, plus strand): 5'-AAATCAGAAGTTTGCATAATAAATTATTAAATGCAGCTCAAGAACGAGAAAAGGACATCA[A>G]ACAAGAAGGGTATTTTCGCTATCTTGTTTTTGGATGACAGATGAATACATTTAAGTGGAA-3'
Protein context (NP_003392.1, residues 200-220): NAAQEREKDI[Lys210Arg]QEGETAICSE

ClinVar aggregate classification (germline): Uncertain significance. Review status: criteria provided, multiple submitters, no conflicts (2 of 4 stars). 2 submissions from 2 submitters: Uncertain significance (2). Last evaluated 2024-04-11.

Conditions:
Short stature, microcephaly, and endocrine dysfunction (SSMED). Identifiers: Orphanet 436182, MedGen C4225288, MONDO:0014686, OMIM 616541.

Allele frequency attached by ClinVar (database versions not stated): ExAC 0.00001; gnomAD 0.00007; ESP Exome Variant Server 0.00008; gnomAD exomes 0.00010; TOPMed 0.00013.
gnomAD v4.1: 150 of 1,608,350 alleles (0.0093%); highest among the groups gnomAD compares: Admixed American, 0.012%; no homozygotes.

Submissions (2):

Fulgent Genetics
Classification: Uncertain significance for Short stature, microcephaly, and endocrine dysfunction. Last evaluated: 2024-04-11. Review status: criteria provided, single submitter. Criteria: ACMG Guidelines, 2015. Collection method: clinical testing. Allele origin: germline.

Labcorp Genetics (formerly Invitae), Labcorp
Classification: Uncertain significance. Last evaluated: 2022-07-06. Review status: criteria provided, single submitter. Criteria: Invitae Variant Classification Sherloc (09022015). Collection method: clinical testing. Allele origin: germline.
Comment: This sequence change replaces lysine, which is basic and polar, with arginine, which is basic and polar, at codon 210 of the XRCC4 protein (p.Lys210Arg). This variant is present in population databases (rs201604424, gnomAD 0.006%). This variant has not been reported in the literature in individuals affected with XRCC4-related conditions. Algorithms developed to predict the effect of missense changes on protein structure and function are either unavailable or do not agree on the potential impact of this missense change (SIFT: "Not Available"; PolyPhen-2: "Benign"; Align-GVGD: "Not Available"). Experimental studies have shown that this missense change does not substantially affect XRCC4 function (PMID: 25934149). In summary, the available evidence is currently insufficient to determine the role of this variant in disease. Therefore, it has been classified as a Variant of Uncertain Significance.

Literature cited by the submitters: PubMed 25934149 (cited by Labcorp Genetics (formerly Invitae), Labcorp).